The following is an entry in ClinVar:

NM_002230.4(JUP):c.546G>A (p.Ser182=)

Gene: JUP (junction plakoglobin; minus strand). Cytogenetic location: 17q21.2.
Variant type: single nucleotide variant.
Coding change: c.546G>A on transcript NM_002230.4 (MANE Select); coding-DNA position 546, G replaced by A.
Protein change: p.Ser182=; no amino-acid change (serine 182 retained).
Molecular consequence: synonymous variant.
Genome position (GRCh38, 1-based): chr17:41,769,130, C>T on the plus strand (G>A on the coding strand, the complement: JUP is on the minus strand). VCF-style: chr17-41769130-C-T. GRCh37 (hg19) VCF-style: chr17-39925382-C-T.
Other names: c.546G>A, p.Ser182= (NM_001352773.2, NM_001352774.2, NM_001352775.2 and 3 more transcripts); c.546G>A (NM_002230.3).
Identifiers: ClinVar variation 227451 (VCV000227451.64), dbSNP rs202038498, ClinGen allele CA8565448.

ClinVar aggregate classification (germline): Conflicting classifications of pathogenicity. Review status: criteria provided, conflicting classifications (1 of 4 stars). 16 submissions from 15 submitters: Uncertain significance (2); Benign (3); Likely benign (8). 3 of the submissions do not count toward it. Last evaluated 2026-03-27.

Conditions:
Cardiovascular phenotype. Identifiers: MedGen CN230736.
Arrhythmogenic right ventricular dysplasia 12. Also called: ARRHYTHMOGENIC RIGHT VENTRICULAR DYSPLASIA, FAMILIAL, 12. Identifiers: MedGen C1969081, MONDO:0012684, OMIM 611528.
Naxos disease (NXD). Also called: PALMOPLANTAR KERATODERMA WITH ARRHYTHMOGENIC RIGHT VENTRICULAR CARDIOMYOPATHY AND WOOLLY HAIR; WOOLLY HAIR, PALMOPLANTAR KERATODERMA, AND CARDIAC ABNORMALITIES; CARDIOMYOPATHY, ARRHYTHMOGENIC RIGHT VENTRICULAR, WITH SKIN, HAIR, AND NAIL ABNORMALITIES; KERATOSIS PALMOPLANTARIS WITH ARRHYTHMOGENIC CARDIOMYOPATHY; MAL DE NAXOS. Identifiers: Orphanet 34217, MedGen C1832600, MONDO:0011017, OMIM 601214.
Cardiomyopathy (CMYO). Also called: Cardiomyopathies. Identifiers: Orphanet 167848, MedGen C0878544, MONDO:0004994, HP:0001638. Inheritance: Various modes of inheritance.
Primary dilated cardiomyopathy (DCM). Also called: Dilated Cardiomyopathy. Identifiers: Orphanet 217604, MedGen C0007193, MeSH D002311, MONDO:0005021, HP:0001644. Inheritance: Various modes of inheritance.

Allele frequency attached by ClinVar (database versions not stated): gnomAD exomes 0.00007 and 0.00020; ExAC 0.00016; ESP Exome Variant Server 0.00023; gnomAD 0.00023 and 0.00024; TOPMed 0.00029; 1000 Genomes Project 0.00080; 1000 Genomes Project 30x 0.00094.
gnomAD v4.1: 198 of 1,609,536 alleles (0.012%); highest among the groups gnomAD compares: East Asian, 0.14%; no homozygotes.

Submissions (16):

Molecular Diagnostic Laboratory for Inherited Cardiovascular Disease, Montreal Heart Institute
Classification: Likely benign. Last evaluated: 2026-03-27. Review status: criteria provided, single submitter. Criteria: ACMG Guidelines, 2015. Collection method: clinical testing. Allele origin: germline. Affected: no.
Comment: BS1;BP7

Labcorp Genetics (formerly Invitae), Labcorp
Classification: Benign for Arrhythmogenic right ventricular dysplasia 12; Naxos disease. Last evaluated: 2026-01-28. Review status: criteria provided, single submitter. Criteria: Invitae Variant Classification Sherloc (09022015). Collection method: clinical testing. Allele origin: germline.

ARUP Laboratories, Molecular Genetics and Genomics, ARUP Laboratories
Classification: Likely benign. Last evaluated: 2025-06-05. Review status: criteria provided, single submitter. Criteria: ARUP Molecular Germline Variant Investigation Process 2024. Collection method: clinical testing. Allele origin: germline.

Blueprint Genetics
Classification: Likely benign. Last evaluated: 2024-09-20. Review status: criteria provided, single submitter. Criteria: ACMG Guidelines, 2015. Collection method: clinical testing. Allele origin: germline.

CeGaT Center for Human Genetics Tuebingen
Classification: Likely benign. Last evaluated: 2023-03-01. Review status: criteria provided, single submitter. Criteria: CeGaT Center For Human Genetics Tuebingen Variant Classification Criteria Version 2. Collection method: clinical testing. Allele origin: germline. Affected: yes. Observed: 1 variant allele.
Comment: JUP: BP4, BP7

Women's Health and Genetics/Laboratory Corporation of America, LabCorp
Classification: Benign. Last evaluated: 2023-01-21. Review status: criteria provided, single submitter. Criteria: LabCorp Variant Classification Summary - May 2015. Collection method: clinical testing. Allele origin: germline.

CHEO Genetics Diagnostic Laboratory, Children's Hospital of Eastern Ontario
Classification: Benign for Cardiomyopathy. Last evaluated: 2021-09-13. Review status: criteria provided, single submitter. Criteria: ACMG Guidelines, 2015. Collection method: clinical testing. Allele origin: germline. Study: Canadian Open Genetics Repository.

GeneDx
Classification: Likely benign. Last evaluated: 2020-08-04. Review status: criteria provided, single submitter. Criteria: GeneDx Variant Classification Process June 2021. Collection method: clinical testing. Allele origin: germline. Affected: yes.

Illumina Laboratory Services, Illumina
Classification: Uncertain significance for Naxos disease. Last evaluated: 2018-01-13. Review status: criteria provided, single submitter. Criteria: ICSL Variant Classification Criteria 13 December 2019. Collection method: clinical testing. Allele origin: germline.

Illumina Laboratory Services, Illumina
Classification: Uncertain significance for Arrhythmogenic right ventricular dysplasia 12. Last evaluated: 2018-01-13. Review status: criteria provided, single submitter. Criteria: ICSL Variant Classification Criteria 13 December 2019. Collection method: clinical testing. Allele origin: germline.

Ambry Genetics
Classification: Likely benign for Cardiovascular phenotype. Last evaluated: 2017-04-28. Review status: criteria provided, single submitter. Criteria: Ambry Variant Classification Scheme 2023. Collection method: clinical testing. Allele origin: germline.

Laboratory for Molecular Medicine, Mass General Brigham Personalized Medicine
Classification: Likely benign. Last evaluated: 2015-05-07. Review status: criteria provided, single submitter. Criteria: LMM Criteria. Collection method: clinical testing. Allele origin: germline. Observed: 3 variant alleles.
Comment: p.Ser182Ser in exon 4 of JUP: This variant is not expected to have clinical sign ificance because it does not alter an amino acid residue and is not located with in the splice consensus sequence. It has been identified in 0.1% (10/8402) of Ea st Asian chromosomes by the Exome Aggregation Consortium (ExAC; dbSNP rs202038498).

Genetics and Genomics Program, Sidra Medicine
Classification: Likely benign for Primary dilated cardiomyopathy. Review status: criteria provided, single submitter. Criteria: ACMG Guidelines, 2015. Collection method: research. Allele origin: unknown. Affected: yes. Observed: 1 variant allele.

Clinical Genetics DNA and cytogenetics Diagnostics Lab, Erasmus MC, Erasmus Medical Center
Classification: Likely benign. Review status: no assertion criteria provided. Collection method: clinical testing. Allele origin: germline. Affected: yes. Study: VKGL Data-share Consensus. Not counted in ClinVar's aggregate classification.

Clinical Genetics, Academic Medical Center
Classification: Benign. Review status: no assertion criteria provided. Collection method: clinical testing. Allele origin: germline. Affected: yes. Study: VKGL Data-share Consensus. Not counted in ClinVar's aggregate classification.

Diagnostic Laboratory, Department of Genetics, University Medical Center Groningen
Classification: Likely benign. Review status: no assertion criteria provided. Collection method: clinical testing. Allele origin: germline. Affected: yes. Study: VKGL Data-share Consensus. Not counted in ClinVar's aggregate classification.